The following is an entry in ClinVar:

ClinVar aggregate classification (germline): Uncertain significance (1 of 4 stars; one submission).

Conditions:
Hereditary cancer-predisposing syndrome. Also called: Neoplastic Syndromes, Hereditary; Tumor predisposition; Hereditary Cancer Syndrome; Hereditary neoplastic syndrome. Identifiers: Orphanet 140162, MedGen C0027672, MeSH D009386, MONDO:0015356.

Submission:

Ambry Genetics
Classification: Uncertain significance for Hereditary cancer-predisposing syndrome. Last evaluated: 2025-12-24. Review status: criteria provided, single submitter. Criteria: Ambry Variant Classification Scheme 2023. Collection method: clinical testing. Allele origin: germline.
Comment: The p.V2181L variant (also known as c.6541G>C), located in coding exon 47 of the POLE gene, results from a G to C substitution at nucleotide position 6541. The valine at codon 2181 is replaced by leucine, an amino acid with highly similar properties. This amino acid position is conserved. In addition, this alteration is predicted to be tolerated by in silico analysis. Based on the available evidence, the clinical significance of this variant remains unclear.

NM_006231.4(POLE):c.6541G>C (p.Val2181Leu)

Gene: POLE (DNA polymerase epsilon, catalytic subunit; minus strand). Cytogenetic location: 12q24.33.
Variant type: single nucleotide variant.
Coding change: c.6541G>C on transcript NM_006231.4 (MANE Select); coding-DNA position 6541, G replaced by C.
Protein change: p.Val2181Leu; replaces valine 2181 with leucine.
Molecular consequence: missense variant.
Genome position (GRCh38, 1-based): chr12:132,625,761, C>G on the plus strand (G>C on the coding strand, the complement: POLE is on the minus strand). VCF-style: chr12-132625761-C-G. GRCh37 (hg19) VCF-style: chr12-133202347-C-G.
Other names: short protein forms V2181L.
Identifiers: ClinVar variation 4841502 (VCV004841502.1).